The following is an entry in ClinVar:

NC_000023.10:g.(?_31947703)_(32235190_?)dup

Gene: DMD (dystrophin; minus strand). Cytogenetic location: Xp21.1.
Variant type: Duplication.
Identifiers: ClinVar variation 3243054 (VCV003243054.1).

ClinVar aggregate classification (germline): Likely pathogenic (1 of 4 stars; one submission).

Conditions:
Duchenne muscular dystrophy (DMD). Also called: MUSCULAR DYSTROPHY, PSEUDOHYPERTROPHIC PROGRESSIVE, DUCHENNE TYPE; Duchenne Muscular Dystrophy (DMD). Identifiers: Orphanet 98896, MedGen C0013264, MONDO:0010679, OMIM 310200.

Submission:

Labcorp Genetics (formerly Invitae), Labcorp
Classification: Likely pathogenic for Duchenne muscular dystrophy. Last evaluated: 2021-01-30. Review status: criteria provided, single submitter. Criteria: Invitae Variant Classification Sherloc (09022015). Collection method: clinical testing. Allele origin: unknown.
Comment: In summary, the currently available evidence indicates that the variant is pathogenic, but additional data are needed to prove that conclusively. Therefore, this variant has been classified as Likely Pathogenic. This variant has been observed in individual(s) with DMD-related conditions (PMID: 18403565). This variant results in a copy number gain of the genomic region encompassing exon(s) 44-47 of the DMD gene. While the exact position of this variant cannot be determined from the data, sub-genic copy number gains are generally in tandem (PMID: 25640679). This variant is predicted to be out-of-frame, and may result in an absent or disrupted protein product. Loss-of-function variants in DMD are known to be pathogenic (PMID: 16770791, 25007885).

Literature cited by the submitters: PubMed 18403565; PubMed 25640679; PubMed 16770791; PubMed 25007885.